The following is an entry in ClinVar:

NM_001365276.2(TNXB):c.12684_12717dup (p.Pro4240fs)

Genes: TNXB (tenascin XB; minus strand), CYP21A2 (cytochrome P450 family 21 subfamily A member 2; plus strand). Cytogenetic location: 6p21.33.
Variant type: Duplication.
Coding change: c.12684_12717dup on transcript NM_001365276.2 (MANE Select); coding-DNA positions 12684 to 12717, 34 bases duplicated.
Protein change: p.Pro4240fs; shifts the reading frame from proline 4240.
Molecular consequence: frameshift variant. On other transcripts: 3 prime UTR variant (4).
Genome position (GRCh38, 1-based): chr6:32,041,367-32,041,400, 34 bases duplicated; duplicating any 34 consecutive bases within chr6:32,041,367-32,041,401 gives the same sequence; the c. name uses the placement nearest the transcript's 3' end. GRCh37 (hg19): chr6:32,009,145-32,009,178.
Other names: c.*234_*267dup (NM_000500.9, NM_001128590.4, NM_001368143.2 and 1 more transcripts); c.13425_13458dup, p.Pro4487fs (NM_001428335.1); c.12678_12711dup, p.Pro4238fs (NM_019105.8); c.1971_2004dup, p.Pro669fs (NM_032470.4); short protein forms P4238fs, P4240fs, P4487fs, P669fs.
Identifiers: ClinVar variation 3900615 (VCV003900615.1).

ClinVar aggregate classification (germline): Uncertain significance (1 of 4 stars; one submission).

Conditions:
Ehlers-Danlos syndrome due to tenascin-X deficiency (EDSCLL1). Also called: EDS DUE TO TNX DEFICIENCY; TNXB-Related Classical-Like Ehlers-Danlos Syndrome; TNX DEFICIENCY; EHLERS-DANLOS SYNDROME, CLASSIC-LIKE; Ehlers-Danlos syndrome, classic-like, 1. Identifiers: Orphanet 230839, MedGen C1848029, MONDO:0011670, OMIM 606408.

Submission:

MVZ Dr. Eberhard & Partner Dortmund
Classification: Uncertain significance for Ehlers-Danlos syndrome due to tenascin-X deficiency. Last evaluated: 2025-04-28. Review status: criteria provided, single submitter. Criteria: ACMG Guidelines, 2015. Collection method: clinical testing. Allele origin: maternal. Observed: 1 heterozygote.
Comment: The heterozygous duplication c.12678_12711dup for p.(Pro4238Glyfs*33) is located in the last exon of the TNXB gene and probably leads to a shift in the reading frame. It is supposed to lead to a stop codon after 33 amino acids and thus the synthesis of an elongated protein (a degradation of the mRNA by "non-stop mRNA-decay" is not expected). The variant has not been described in databases and literature and is not found in population databases of different ethnic groups, yet. Therefore this change is a variant of unclear significance.